The following is an entry in ClinVar:

ClinVar aggregate classification (germline): Uncertain significance. Review status: criteria provided, single submitter (1 of 4 stars). 2 submissions from 2 submitters: Uncertain significance (1). 1 of the submissions does not count toward it. Last evaluated 2021-09-01.

Conditions:
CDS1-related disorder. Also called: CDS1-related condition.

Allele frequency attached by ClinVar (database versions not stated): 1000 Genomes Project 30x 0.00031; ESP Exome Variant Server 0.00038; 1000 Genomes Project 0.00040; ExAC 0.00073; gnomAD 0.00094; TOPMed 0.00139.
gnomAD v4.1: 1,448 of 1,610,466 alleles (0.09%); highest among the groups gnomAD compares: Middle Eastern, 0.25%; no homozygotes.

Submissions (2):

Ambry Genetics
Classification: Uncertain significance. Last evaluated: 2021-09-01. Review status: criteria provided, single submitter. Criteria: Ambry Variant Classification Scheme 2023. Collection method: clinical testing. Allele origin: germline.

PreventionGenetics, part of Exact Sciences
Classification: Likely benign for CDS1-related condition. Last evaluated: 2020-10-13. Review status: no assertion criteria provided. Collection method: clinical testing. Allele origin: germline. Not counted in ClinVar's aggregate classification.
Comment: This variant is classified as likely benign based on ACMG/AMP sequence variant interpretation guidelines (Richards et al. 2015 PMID: 25741868, with internal and published modifications).

NM_001263.4(CDS1):c.1066A>G (p.Ser356Gly)

Gene: CDS1 (CDP-diacylglycerol synthase 1; plus strand). Cytogenetic location: 4q21.23.
Variant type: single nucleotide variant.
Coding change: c.1066A>G on transcript NM_001263.4 (MANE Select); coding-DNA position 1066, A replaced by G.
Protein change: p.Ser356Gly; replaces serine 356 with glycine.
Molecular consequence: missense variant.
Genome position (GRCh38, 1-based): chr4:84,643,057, A>G. VCF-style: chr4-84643057-A-G. GRCh37 (hg19) VCF-style: chr4-85564210-A-G.
Other names: short protein forms S356G.
Identifiers: ClinVar variation 2211296 (VCV002211296.4), dbSNP rs139701286, ClinGen allele CA2991814.